The following is an entry in ClinVar:

NM_000540.3(RYR1):c.5650G>A (p.Gly1884Ser)

Gene: RYR1 (ryanodine receptor 1; plus strand). Cytogenetic location: 19q13.2.
Variant type: single nucleotide variant.
Coding change: c.5650G>A on transcript NM_000540.3 (MANE Select); coding-DNA position 5650, G replaced by A.
Protein change: p.Gly1884Ser; replaces glycine 1884 with serine.
Molecular consequence: missense variant.
Genome position (GRCh38, 1-based): chr19:38,489,279, G>A. VCF-style: chr19-38489279-G-A. GRCh37 (hg19) VCF-style: chr19-38979919-G-A.
Other names: c.5650G>A, p.Gly1884Ser (NM_001042723.2); short protein forms G1884S.
Identifiers: ClinVar variation 478241 (VCV000478241.18), dbSNP rs776093828, ClinGen allele CA405658364.

ClinVar aggregate classification (germline): Uncertain significance. Review status: criteria provided, multiple submitters, no conflicts (2 of 4 stars). 3 submissions from 3 submitters: Uncertain significance (3). Last evaluated 2025-09-01.

Conditions:
Malignant hyperthermia, susceptibility to, 1 (MHS1). Also called: Malignant hyperthermia suceptibility 1; Anesthesia related hyperthermia; Malignant hyperpyrexia; Fulminating hyperpyrexia; Pharmacogenic myopathy; RYR1-Related Malignant Hyperthermia Susceptibility. Identifiers: Orphanet 423, MedGen C2930980, MONDO:0007783, OMIM 145600.
RYR1-related disorder. Also called: RYR1-related disorders; RYR1-related condition. Identifiers: MedGen CN239331.

gnomAD v4.1: 4 of 1,608,018 alleles (0.00025%); highest among the groups gnomAD compares: Non-Finnish European, 0.00034%; no homozygotes.

Submissions (3):

CeGaT Center for Human Genetics Tuebingen
Classification: Uncertain significance. Last evaluated: 2025-09-01. Review status: criteria provided, single submitter. Criteria: CeGaT Center For Human Genetics Tuebingen Variant Classification Criteria Version 2. Collection method: clinical testing. Allele origin: germline. Affected: yes. Observed: 1 variant allele.
Comment: RYR1: PM2:Supporting, BP4

Labcorp Genetics (formerly Invitae), Labcorp
Classification: Uncertain significance for RYR1-related disorder. Last evaluated: 2025-07-06. Review status: criteria provided, single submitter. Criteria: Invitae Variant Classification Sherloc (09022015). Collection method: clinical testing. Allele origin: germline.
Comment: This sequence change replaces glycine, which is neutral and non-polar, with serine, which is neutral and polar, at codon 1884 of the RYR1 protein (p.Gly1884Ser). This variant is not present in population databases (gnomAD no frequency). This variant has not been reported in the literature in individuals affected with RYR1-related conditions. ClinVar contains an entry for this variant (Variation ID: 478241). Invitae Evidence Modeling of protein sequence and biophysical properties (such as structural, functional, and spatial information, amino acid conservation, physicochemical variation, residue mobility, and thermodynamic stability) indicates that this missense variant is not expected to disrupt RYR1 protein function with a negative predictive value of 95%. In summary, the available evidence is currently insufficient to determine the role of this variant in disease. Therefore, it has been classified as a Variant of Uncertain Significance.

All of Us Research Program, National Institutes of Health
Classification: Uncertain significance for Malignant hyperthermia, susceptibility to, 1. Last evaluated: 2024-07-29. Review status: criteria provided, single submitter. Criteria: ACMG Guidelines, 2015. Collection method: clinical testing. Allele origin: germline. Inheritance: Autosomal dominant inheritance. Observed: 3 variant alleles, 3 heterozygotes.
Comment: This missense variant replaces glycine with serine at codon 1884 of the RYR1 protein. Computational prediction suggests that this variant may not impact protein structure and function (internally defined REVEL score threshold <= 0.5, PMID: 27666373). To our knowledge, functional studies have not been reported for this variant. This variant has not been reported in individuals affected with RYR1-related disorders in the literature. This variant has not been identified in the general population by the Genome Aggregation Database (gnomAD). The available evidence is insufficient to determine the role of this variant in disease conclusively. Therefore, this variant is classified as a Variant of Uncertain Significance.

This study involves interpretation of variants in research participants for the purpose of population health screening. Participant phenotype was not available at the time of variant classification. Additional details can be found in publication PMID: 35346344, PMCID: PMC8962531